The following is an entry in ClinVar:

ClinVar aggregate classification (germline): Likely pathogenic (1 of 4 stars; one submission).

Submission:

GeneDx
Classification: Likely pathogenic. Last evaluated: 2016-06-10. Review status: criteria provided, single submitter. Criteria: GeneDx Variant Classification (06012015). Collection method: clinical testing. Allele origin: germline. Affected: yes.
Comment: The c.4581+2 T>C splice site variant in the SCN1A gene has been previously reported in associationwith an SCN1A-related disorder (Wang et al., 2012). This variant destroys the canonical splice donor site in intron 24, and is expected to cause abnormal gene splicing.

NM_001165963.4(SCN1A):c.4581+2T>C

Genes: SCN1A (sodium voltage-gated channel alpha subunit 1; minus strand), LOC102724058 (uncharacterized LOC102724058; plus strand). Cytogenetic location: 2q24.3.
Variant type: single nucleotide variant.
Coding change: c.4581+2T>C on transcript NM_001165963.4 (MANE Select); the canonical splice donor site of the intron after coding-DNA position 4581, T replaced by C.
Molecular consequence: splice donor variant.
Genome position (GRCh38, 1-based): chr2:165,996,011, A>G on the plus strand (T>C on the coding strand, the complement: SCN1A is on the minus strand). VCF-style: chr2-165996011-A-G. GRCh37 (hg19) VCF-style: chr2-166852521-A-G.
Other names: c.4548+2T>C (NM_001353949.2, NM_001353950.2, NM_001353951.2 and 2 more transcripts); c.4497+2T>C (NM_001353958.2, NM_001353957.2, NM_001165964.3); c.4581+2T>C (NM_001202435.3, NM_001353948.2); c.4545+2T>C (NM_001353955.2, NM_001353954.2); c.4494+2T>C (NM_001353960.2); c.2139+2T>C (NM_001353961.2).
Identifiers: ClinVar variation 265299 (VCV000265299.2), dbSNP rs886039457, ClinGen allele CA10588318.